The following is an entry in ClinVar:

ClinVar aggregate classification (germline): Uncertain significance (1 of 4 stars; one submission).

Allele frequency attached by ClinVar (database versions not stated): gnomAD exomes below 0.00001.
gnomAD v4.1: 2 of 1,611,170 alleles (0.00012%); highest among the groups gnomAD compares: Middle Eastern, 0.017%; no homozygotes.

Submission:

Labcorp Genetics (formerly Invitae), Labcorp
Classification: Uncertain significance. Last evaluated: 2022-05-16. Review status: criteria provided, single submitter. Criteria: Invitae Variant Classification Sherloc (09022015). Collection method: clinical testing. Allele origin: germline.
Comment: In summary, the available evidence is currently insufficient to determine the role of this variant in disease. Therefore, it has been classified as a Variant of Uncertain Significance. Algorithms developed to predict the effect of sequence changes on RNA splicing suggest that this variant may create or strengthen a splice site. Algorithms developed to predict the effect of missense changes on protein structure and function are either unavailable or do not agree on the potential impact of this missense change (SIFT: "Tolerated"; PolyPhen-2: "Possibly Damaging"; Align-GVGD: "Class C0"). This variant has not been reported in the literature in individuals affected with CTR9-related conditions. This variant is not present in population databases (gnomAD no frequency). This sequence change replaces aspartic acid, which is acidic and polar, with glycine, which is neutral and non-polar, at codon 543 of the CTR9 protein (p.Asp543Gly).

NM_014633.5(CTR9):c.1628A>G (p.Asp543Gly)

Gene: CTR9 (CTR9 component of Paf1/RNA polymerase II complex; plus strand). Cytogenetic location: 11p15.4.
Variant type: single nucleotide variant.
Coding change: c.1628A>G on transcript NM_014633.5 (MANE Select); coding-DNA position 1628, A replaced by G.
Protein change: p.Asp543Gly; replaces aspartic acid 543 with glycine.
Molecular consequence: missense variant.
Genome position (GRCh38, 1-based): chr11:10,766,432, A>G. VCF-style: chr11-10766432-A-G. GRCh37 (hg19) VCF-style: chr11-10787979-A-G.
Other names: c.1628A>G, p.Asp543Gly (NM_001346279.2); short protein forms D543G.
Identifiers: ClinVar variation 1960163 (VCV001960163.5), dbSNP rs2539382805, ClinGen allele CA379670900.
Genomic context (GRCh38, chr11:10,766,432, plus strand): 5'-GGATATAAAAACTTTTAAATATGTTTTCAGGCTATTTGCGCCTAGGAGCCATGGCTAGAG[A>G]TAAGGGAAACTTTTATGAGGCTTCAGATTGGTTTAAGGAAGCTCTTCAGATTAATCAGGT-3'
Protein context (NP_055448.1, residues 533-553): CYLRLGAMAR[Asp543Gly]KGNFYEASDW